The following is an entry in ClinVar:

ClinVar aggregate classification (germline): Uncertain significance (1 of 4 stars; one submission).

Conditions:
Bethlem myopathy 1A. Also called: Bethlem myopathy 1; Bethlem Muscular Dystrophy; MYOPATHY, BENIGN CONGENITAL, WITH CONTRACTURES. Identifiers: Orphanet 610, MedGen CN029274, MONDO:0024530, OMIM 158810.

Submission:

Labcorp Genetics (formerly Invitae), Labcorp
Classification: Uncertain significance for Bethlem myopathy 1A. Last evaluated: 2023-04-24. Review status: criteria provided, single submitter. Criteria: Invitae Variant Classification Sherloc (09022015). Collection method: clinical testing. Allele origin: germline.
Comment: This variant has not been reported in the literature in individuals affected with COL6A3-related conditions. In summary, the available evidence is currently insufficient to determine the role of this variant in disease. Therefore, it has been classified as a Variant of Uncertain Significance. Advanced modeling of protein sequence and biophysical properties (such as structural, functional, and spatial information, amino acid conservation, physicochemical variation, residue mobility, and thermodynamic stability) has been performed at Invitae for this missense variant, however the output from this modeling did not meet the statistical confidence thresholds required to predict the impact of this variant on COL6A3 protein function. ClinVar contains an entry for this variant (Variation ID: 1479372). This variant is not present in population databases (gnomAD no frequency). This sequence change replaces aspartic acid, which is acidic and polar, with glycine, which is neutral and non-polar, at codon 39 of the COL6A3 protein (p.Asp39Gly).

NM_004369.4(COL6A3):c.116A>G (p.Asp39Gly)

Gene: COL6A3 (collagen type VI alpha 3 chain; minus strand). Cytogenetic location: 2q37.3.
Variant type: single nucleotide variant.
Coding change: c.116A>G on transcript NM_004369.4 (MANE Select); coding-DNA position 116, A replaced by G.
Protein change: p.Asp39Gly; replaces aspartic acid 39 with glycine.
Molecular consequence: missense variant. On other transcripts: intron variant (4).
Genome position (GRCh38, 1-based): chr2:237,395,180, T>C on the plus strand (A>G on the coding strand, the complement: COL6A3 is on the minus strand). VCF-style: chr2-237395180-T-C. GRCh37 (hg19) VCF-style: chr2-238303823-T-C.
Other names: c.91+1547A>G (NM_057166.5, NM_057167.4, NM_057164.5 and 1 more transcripts); short protein forms D39G.
Identifiers: ClinVar variation 1479372 (VCV001479372.8), dbSNP rs2106388893, ClinGen allele CA351228403.